The following is an entry in ClinVar:

ClinVar aggregate classification (germline): Uncertain significance. Review status: criteria provided, multiple submitters, no conflicts (2 of 4 stars). 2 submissions from 2 submitters: Uncertain significance (2). Last evaluated 2024-12-09.

Allele frequency attached by ClinVar (database versions not stated): ExAC 0.00010; gnomAD exomes 0.00013 and 0.00033; 1000 Genomes Project 30x 0.00016; gnomAD 0.00016; TOPMed 0.00019; 1000 Genomes Project 0.00020; ESP Exome Variant Server 0.00023.
gnomAD v4.1: 507 of 1,614,180 alleles (0.031%); highest among the groups gnomAD compares: Non-Finnish European, 0.04%; no homozygotes.

Submissions (2):

Labcorp Genetics (formerly Invitae), Labcorp
Classification: Uncertain significance. Last evaluated: 2024-12-09. Review status: criteria provided, single submitter. Criteria: Invitae Variant Classification Sherloc (09022015). Collection method: clinical testing. Allele origin: germline.
Comment: This sequence change replaces serine, which is neutral and polar, with asparagine, which is neutral and polar, at codon 489 of the ZNF341 protein (p.Ser489Asn). This variant is present in population databases (rs141578693, gnomAD 0.03%). This variant has not been reported in the literature in individuals affected with ZNF341-related conditions. ClinVar contains an entry for this variant (Variation ID: 1492221). An algorithm developed to predict the effect of missense changes on protein structure and function (PolyPhen-2) suggests that this variant¬†is likely to be tolerated. In summary, the available evidence is currently insufficient to determine the role of this variant in disease. Therefore, it has been classified as a Variant of Uncertain Significance.

Ambry Genetics
Classification: Uncertain significance. Last evaluated: 2023-12-18. Review status: criteria provided, single submitter. Criteria: Ambry Variant Classification Scheme 2023. Collection method: clinical testing. Allele origin: germline.

NM_001282933.2(ZNF341):c.1487G>A (p.Ser496Asn)

Gene: ZNF341 (zinc finger protein 341; plus strand). Cytogenetic location: 20q11.22.
Variant type: single nucleotide variant.
Coding change: c.1487G>A on transcript NM_001282933.2 (MANE Select); coding-DNA position 1487, G replaced by A.
Protein change: p.Ser496Asn; replaces serine 496 with asparagine.
Molecular consequence: missense variant. On other transcripts: non-coding transcript variant (1).
Genome position (GRCh38, 1-based): chr20:33,770,157, G>A. VCF-style: chr20-33770157-G-A. GRCh37 (hg19) VCF-style: chr20-32357963-G-A.
Other names: c.1217G>A, p.Ser406Asn (NM_001282935.2); c.1466G>A, p.Ser489Asn (NM_032819.5); c.1466G>A (NM_032819.3); short protein forms S406N, S496N, S489N.
Identifiers: ClinVar variation 1492221 (VCV001492221.5), dbSNP rs141578693, ClinGen allele CA9819461.